The following is an entry in ClinVar:

ClinVar aggregate classification (germline): Likely benign (0 of 4 stars; one submission).

Conditions:
OPTN-related disorder. Also called: OPTN-related disorders; OPTN-related condition.

Allele frequency attached by ClinVar (database versions not stated): gnomAD exomes below 0.00001; gnomAD 0.00001; TOPMed 0.00001.
gnomAD v4.1: 3 of 1,614,004 alleles (0.00019%); highest among the groups gnomAD compares: Non-Finnish European, 0.00025%; no homozygotes.

Submission:

PreventionGenetics, part of Exact Sciences
Classification: Likely benign for OPTN-related condition. Last evaluated: 2021-08-10. Review status: no assertion criteria provided. Collection method: clinical testing. Allele origin: germline.
Comment: This variant is classified as likely benign based on ACMG/AMP sequence variant interpretation guidelines (Richards et al. 2015 PMID: 25741868, with internal and published modifications).

NM_001008212.2(OPTN):c.267G>A (p.Gln89=)

Genes: OPTN (optineurin; plus strand), LOC108903148 (10p13 OPTN distal Alu-mediated recombination region; plus strand). Cytogenetic location: 10p13.
Variant type: single nucleotide variant.
Coding change: c.267G>A on transcript NM_001008212.2 (MANE Select); coding-DNA position 267, G replaced by A.
Protein change: p.Gln89=; no amino-acid change (glutamine 89 retained).
Molecular consequence: synonymous variant.
Genome position (GRCh38, 1-based): chr10:13,110,374, G>A. VCF-style: chr10-13110374-G-A. GRCh37 (hg19) VCF-style: chr10-13152374-G-A.
Other names: c.267G>A, p.Gln89= (NM_001008211.1, NM_001008213.1, NM_021980.4).
Identifiers: ClinVar variation 3060368 (VCV003060368.2), dbSNP rs766200278, ClinGen allele CA203255187.